The following is an entry in ClinVar:

NM_001854.4(COL11A1):c.2143-291A>G

Gene: COL11A1 (collagen type XI alpha 1 chain; minus strand). Cytogenetic location: 1p21.1.
Variant type: single nucleotide variant.
Coding change: c.2143-291A>G on transcript NM_001854.4 (MANE Select); 291 bases into the intron before coding-DNA position 2143, A replaced by G.
Molecular consequence: intron variant.
Genome position (GRCh38, 1-based): chr1:102,998,654, T>C on the plus strand (A>G on the coding strand, the complement: COL11A1 is on the minus strand). VCF-style: chr1-102998654-T-C. GRCh37 (hg19) VCF-style: chr1-103464210-T-C.
Other names: NC_000001.10:g.103464210T>C; c.2026-291A>G (NM_001190709.2); c.2179-291A>G (NM_080629.3); c.1795-291A>G (NM_080630.4).
Identifiers: ClinVar variation 681197 (VCV000681197.2), dbSNP rs11164653, ClinGen allele CA15120658.
Genomic context (GRCh38, chr1:102,998,654, plus strand): 5'-TAGATAGGTCTTTTTTTAAATTAGCAAATTAGTTTTTGAATACCACAATAAACTGAAGCT[T>C]AGAGAACAAAAAGGAAAGCAATATAGGCCAGAAATATATTGATTCATATCATTAAAGAGG-3'

ClinVar aggregate classification (germline): Benign (1 of 4 stars; one submission).

Allele frequency attached by ClinVar (database versions not stated): gnomAD 0.49108 and 0.50601; TOPMed 0.50137; 1000 Genomes Project 30x 0.56949; 1000 Genomes Project 0.57847.
gnomAD v4.1: 76,829 of 151,446 alleles (51%); highest among the groups gnomAD compares: East Asian, 91%; 21,924 homozygotes.

Submissions (7):

GeneDx
Classification: Benign. Last evaluated: 2018-06-14. Review status: criteria provided, single submitter. Criteria: GeneDx Variant Classification (06012015). Collection method: clinical testing. Allele origin: germline. Affected: yes.
Comment: This variant is considered likely benign or benign based on one or more of the following criteria: it is a conservative change, it occurs at a poorly conserved position in the protein, it is predicted to be benign by multiple in silico algorithms, and/or has population frequency not consistent with disease.

Dr. Peter K. Rogan Lab, Western University
No classification provided (evidence only). Condition: Familial cancer of breast. Review status: no classification provided. Collection method: in vitro. Allele origin: not applicable. Functional consequence: retained intron. Not counted in ClinVar's aggregate classification.

Dr. Peter K. Rogan Lab, Western University
No classification provided (evidence only). Condition: Uterine corpus endometrial carcinoma. Review status: no classification provided. Collection method: in vitro. Allele origin: not applicable. Functional consequence: retained intron. Not counted in ClinVar's aggregate classification.

Dr. Peter K. Rogan Lab, Western University
No classification provided (evidence only). Condition: Malignant lymphoma, large B-cell, diffuse. Review status: no classification provided. Collection method: in vitro. Allele origin: not applicable. Functional consequence: retained intron. Not counted in ClinVar's aggregate classification.

Dr. Peter K. Rogan Lab, Western University
No classification provided (evidence only). Condition: Malignant lymphoma, large B-cell, diffuse. Review status: no classification provided. Collection method: in vitro. Allele origin: not applicable. Functional consequence: retained intron. Not counted in ClinVar's aggregate classification.

Dr. Peter K. Rogan Lab, Western University
No classification provided (evidence only). Condition: Cholangiocarcinoma. Review status: no classification provided. Collection method: in vitro. Allele origin: not applicable. Functional consequence: retained intron. Not counted in ClinVar's aggregate classification.

Dr. Peter K. Rogan Lab, Western University
No classification provided (evidence only). Condition: Cholangiocarcinoma. Review status: no classification provided. Collection method: in vitro. Allele origin: not applicable. Functional consequence: retained intron. Not counted in ClinVar's aggregate classification.